The following is an entry in ClinVar:

NM_014516.4(CNOT3):c.2161C>T (p.Gln721Ter)

Gene: CNOT3 (CCR4-NOT transcription complex subunit 3; plus strand). Cytogenetic location: 19q13.42.
Variant type: single nucleotide variant.
Coding change: c.2161C>T on transcript NM_014516.4 (MANE Select); coding-DNA position 2161, C replaced by T.
Protein change: p.Gln721Ter; replaces glutamine 721 with a stop codon.
Molecular consequence: nonsense.
Genome position (GRCh38, 1-based): chr19:54,153,838, C>T. VCF-style: chr19-54153838-C-T. GRCh37 (hg19) VCF-style: chr19-54657575-C-T.
Other names: short protein forms Q721*.
Identifiers: ClinVar variation 2136123 (VCV002136123.2), dbSNP rs2075274753, ClinGen allele CA407772200.

ClinVar aggregate classification (germline): Uncertain significance (1 of 4 stars; one submission).

Submission:

GeneDx
Classification: Uncertain significance. Last evaluated: 2024-09-24. Review status: criteria provided, single submitter. Criteria: GeneDx Variant Classification Process June 2021. Collection method: clinical testing. Allele origin: germline. Affected: yes.
Comment: Nonsense variant predicted to result in protein truncation as the last 33 amino acids are lost; Not observed at significant frequency in large population cohorts (gnomAD); Has not been previously published as pathogenic or benign to our knowledge